The following is an entry in ClinVar:

ClinVar aggregate classification (germline): Uncertain significance (1 of 4 stars; one submission).

Allele frequency attached by ClinVar (database versions not stated): gnomAD exomes 0.00001.
gnomAD v4.1: 4 of 1,599,728 alleles (0.00025%); highest among the groups gnomAD compares: South Asian, 0.0045%; no homozygotes.

Submission:

Labcorp Genetics (formerly Invitae), Labcorp
Classification: Uncertain significance. Last evaluated: 2025-09-03. Review status: criteria provided, single submitter. Criteria: Invitae Variant Classification Sherloc (09022015). Collection method: clinical testing. Allele origin: germline.
Comment: This sequence change replaces serine, which is neutral and polar, with glycine, which is neutral and non-polar, at codon 1886 of the OBSL1 protein (p.Ser1886Gly). This variant is present in population databases (no rsID available, gnomAD 0.007%). This variant has not been reported in the literature in individuals affected with OBSL1-related conditions. ClinVar contains an entry for this variant (Variation ID: 2796064). An algorithm developed to predict the effect of missense changes on protein structure and function (PolyPhen-2) suggests that this variant is likely to be disruptive. In summary, the available evidence is currently insufficient to determine the role of this variant in disease. Therefore, it has been classified as a Variant of Uncertain Significance.

NM_015311.3(OBSL1):c.5656A>G (p.Ser1886Gly)

Gene: OBSL1 (obscurin like cytoskeletal adaptor 1; minus strand). Cytogenetic location: 2q35.
Variant type: single nucleotide variant.
Coding change: c.5656A>G on transcript NM_015311.3 (MANE Select); coding-DNA position 5656, A replaced by G.
Protein change: p.Ser1886Gly; replaces serine 1886 with glycine.
Molecular consequence: missense variant.
Genome position (GRCh38, 1-based): chr2:219,551,556, T>C on the plus strand (A>G on the coding strand, the complement: OBSL1 is on the minus strand). VCF-style: chr2-219551556-T-C. GRCh37 (hg19) VCF-style: chr2-220416278-T-C.
Other names: short protein forms S1886G.
Identifiers: ClinVar variation 2796064 (VCV002796064.3), dbSNP rs1474277264, ClinGen allele CA350715403.
Genomic context (GRCh38, chr2:219,551,556, plus strand): 5'-CCCTCCTGCCGCTGCCCAGTTGGCTTTACTCACCCTCTACCAGCAGCCGTGTGTGGGTGC[T>C]GTCCTGGCCGGCCTGGCAGCAGTAAGTGCCTTGGTCCTCAGGTCGAACGTCATGGATGAC-3'
Protein context (NP_056126.1, residues 1876-1896): GTYCCQAGQD[Ser1886Gly]THTRLLVEGN